The following is an entry in ClinVar:

NM_000321.3(RB1):c.853_861+5del

Gene: RB1 (RB transcriptional corepressor 1; plus strand). Cytogenetic location: 13q14.2.
Variant type: Deletion.
Coding change: c.853_861+5del on transcript NM_000321.3 (MANE Select); coding-DNA position 853 through 5 bases into the intron after coding-DNA position 861, 14 bases deleted (ATAGATGAGGTAAT).
Molecular consequence: splice donor variant.
Genome position (GRCh38, 1-based): chr13:48,362,949-48,362,962, ATAGATGAGGTAAT deleted; deleting any 14 consecutive bases within chr13:48,362,944-48,362,962 gives the same sequence; the c. name uses the placement nearest the transcript's 3' end. VCF-style (leftmost placement, unchanged base first): chr13-48362943-TGTAATATAGATGAG-T. GRCh37 (hg19) VCF-style: chr13-48937079-TGTAATATAGATGAG-T.
Other names: c.853_861+5del (NM_001407165.1, NM_001407166.1).
Identifiers: ClinVar variation 3236123 (VCV003236123.1), dbSNP rs2542182392, ClinGen allele CA2825002181.

ClinVar aggregate classification (germline): Pathogenic (1 of 4 stars; one submission).

Conditions:
Retinoblastoma (RB1). Also called: RETINOBLASTOMA, SOMATIC. Identifiers: Orphanet 790, MedGen C0035335, MeSH D012175, MONDO:0008380, OMIM 180200, HP:0009919. Disease mechanism: loss of function. Inheritance: Both sporadic and heritable forms are tested..

Submission:

MVZ Medizinische Genetik Mainz
Classification: Pathogenic for Retinoblastoma. Last evaluated: 2022-08-04. Review status: criteria provided, single submitter. Criteria: UK Practice Guidelines For Variant Classification V4 01 2020. Collection method: clinical testing. Allele origin: germline. Inheritance: Autosomal dominant inheritance. Affected: yes. Observed: 1 variant allele.
Comment: ACMG Criteria: PVS1, PM2_SUP_MOD, PP4